The following is an entry in ClinVar:

ClinVar aggregate classification (germline): Uncertain significance (1 of 4 stars; one submission).

Conditions:
Early-infantile DEE. Also called: Ohtahara syndrome; Early infantile epileptic encephalopathy with suppression bursts; Early infantile epileptic encephalopathy. Identifiers: Orphanet 1934, MedGen C0393706, MONDO:0800491.

Submission:

Labcorp Genetics (formerly Invitae), Labcorp
Classification: Uncertain significance for Early-infantile DEE. Last evaluated: 2024-02-15. Review status: criteria provided, single submitter. Criteria: Invitae Variant Classification Sherloc (09022015). Collection method: clinical testing. Allele origin: germline.
Comment: This sequence change replaces aspartic acid, which is acidic and polar, with glutamic acid, which is acidic and polar, at codon 12 of the SCN8A protein (p.Asp12Glu). This variant is not present in population databases (gnomAD no frequency). This variant has not been reported in the literature in individuals affected with SCN8A-related conditions. ClinVar contains an entry for this variant (Variation ID: 1064214). Advanced modeling of protein sequence and biophysical properties (such as structural, functional, and spatial information, amino acid conservation, physicochemical variation, residue mobility, and thermodynamic stability) performed at Invitae indicates that this missense variant is not expected to disrupt SCN8A protein function with a negative predictive value of 95%. In summary, the available evidence is currently insufficient to determine the role of this variant in disease. Therefore, it has been classified as a Variant of Uncertain Significance.

NM_001330260.2(SCN8A):c.36T>G (p.Asp12Glu)

Genes: SCN8A (sodium voltage-gated channel alpha subunit 8; plus strand), LOC114803470 (SCN8A eExon liver enhancer; plus strand). Cytogenetic location: 12q13.13.
Variant type: single nucleotide variant.
Coding change: c.36T>G on transcript NM_001330260.2 (MANE Select); coding-DNA position 36, T replaced by G.
Protein change: p.Asp12Glu; replaces aspartic acid 12 with glutamic acid.
Molecular consequence: missense variant.
Genome position (GRCh38, 1-based): chr12:51,662,853, T>G. VCF-style: chr12-51662853-T-G. GRCh37 (hg19) VCF-style: chr12-52056637-T-G.
Other names: c.36T>G, p.Asp12Glu (NM_001177984.3, NM_001369788.1, NM_014191.4); short protein forms D12E.
Identifiers: ClinVar variation 1064214 (VCV001064214.10), dbSNP rs1185519570, ClinGen allele CA385227445.